The following is an entry in ClinVar:

ClinVar aggregate classification (germline): Uncertain significance (1 of 4 stars; one submission).

Conditions:
Hereditary spastic paraplegia 45. Also called: Spastic paraplegia 45, autosomal recessive; SPASTIC PARAPLEGIA 45. Identifiers: Orphanet 320396, MedGen C3888209, MONDO:0013165, OMIM 613162.

Submission:

Labcorp Genetics (formerly Invitae), Labcorp
Classification: Uncertain significance for Hereditary spastic paraplegia 45. Last evaluated: 2022-02-20. Review status: criteria provided, single submitter. Criteria: Invitae Variant Classification Sherloc (09022015). Collection method: clinical testing. Allele origin: germline.
Comment: Variants that disrupt the consensus splice site are a relatively common cause of aberrant splicing (PMID: 17576681, 9536098). Algorithms developed to predict the effect of sequence changes on RNA splicing suggest that this variant is not likely to affect RNA splicing. In summary, the available evidence is currently insufficient to determine the role of this variant in disease. Therefore, it has been classified as a Variant of Uncertain Significance. This variant has not been reported in the literature in individuals affected with NT5C2-related conditions. This variant is not present in population databases (gnomAD no frequency). This sequence change falls in intron 14 of the NT5C2 gene. It does not directly change the encoded amino acid sequence of the NT5C2 protein. It affects a nucleotide within the consensus splice site.

Literature cited by the submitters: PubMed 17576681; PubMed 9536098.

NM_001351169.2(NT5C2):c.988+5G>C

Gene: NT5C2 (5'-nucleotidase, cytosolic II; minus strand). Cytogenetic location: 10q24.32.
Variant type: single nucleotide variant.
Coding change: c.988+5G>C on transcript NM_001351169.2 (MANE Select); 5 bases into the intron after coding-DNA position 988, G replaced by C.
Molecular consequence: intron variant.
Genome position (GRCh38, 1-based): chr10:103,093,967, C>G on the plus strand (G>C on the coding strand, the complement: NT5C2 is on the minus strand). VCF-style: chr10-103093967-C-G. GRCh37 (hg19) VCF-style: chr10-104853724-C-G.
Other names: c.901+5G>C (NM_001351174.1); c.415+5G>C (NM_001351191.1, NM_001351192.1, NM_001351193.1 and 16 more transcripts); c.274+5G>C (NM_001351194.2, NM_001351195.2, NM_001351196.2); c.988+5G>C (NM_001134373.3, NM_012229.5); c.1012+5G>C (NM_001351170.2, NM_001351171.2, NM_001351172.2 and 1 more transcripts); c.895+5G>C (NM_001351175.2).
Identifiers: ClinVar variation 2047334 (VCV002047334.4), dbSNP rs2494139647, ClinGen allele CA2580081274.